The following is an entry in ClinVar:

NM_000287.4(PEX6):c.1849G>A (p.Glu617Lys)

Gene: PEX6 (peroxisomal biogenesis factor 6; minus strand). Cytogenetic location: 6p21.1.
Variant type: single nucleotide variant.
Coding change: c.1849G>A on transcript NM_000287.4 (MANE Select); coding-DNA position 1849, G replaced by A.
Protein change: p.Glu617Lys; replaces glutamic acid 617 with lysine.
Molecular consequence: missense variant. On other transcripts: non-coding transcript variant (1).
Genome position (GRCh38, 1-based): chr6:42,967,403, C>T on the plus strand (G>A on the coding strand, the complement: PEX6 is on the minus strand). VCF-style: chr6-42967403-C-T. GRCh37 (hg19) VCF-style: chr6-42935141-C-T.
Other names: c.1585G>A, p.Glu529Lys (NM_001316313.2); short protein forms E529K, E617K.
Identifiers: ClinVar variation 1920992 (VCV001920992.5), dbSNP rs2481217024, ClinGen allele CA364153444.

ClinVar aggregate classification (germline): Uncertain significance (1 of 4 stars; one submission).

Conditions:
Peroxisome biogenesis disorder. Identifiers: Orphanet 79189, MedGen C1832200, MONDO:0019234. Disease mechanism: loss of function.

Submission:

Labcorp Genetics (formerly Invitae), Labcorp
Classification: Uncertain significance for Peroxisome biogenesis disorder. Last evaluated: 2022-04-13. Review status: criteria provided, single submitter. Criteria: Invitae Variant Classification Sherloc (09022015). Collection method: clinical testing. Allele origin: germline.
Comment: In summary, the available evidence is currently insufficient to determine the role of this variant in disease. Therefore, it has been classified as a Variant of Uncertain Significance. Algorithms developed to predict the effect of sequence changes on RNA splicing suggest that this variant may create or strengthen a splice site. Algorithms developed to predict the effect of missense changes on protein structure and function are either unavailable or do not agree on the potential impact of this missense change (SIFT: "Tolerated"; PolyPhen-2: "Possibly Damaging"; Align-GVGD: "Class C0"). This variant has not been reported in the literature in individuals affected with PEX6-related conditions. This variant is not present in population databases (gnomAD no frequency). This sequence change replaces glutamic acid, which is acidic and polar, with lysine, which is basic and polar, at codon 617 of the PEX6 protein (p.Glu617Lys).